The following is an entry in ClinVar:

ClinVar aggregate classification (germline): Likely pathogenic. Review status: criteria provided, multiple submitters, no conflicts (2 of 4 stars). 2 submissions from 2 submitters: Likely pathogenic (2). Last evaluated 2023-04-28.

Conditions:
Familial adenomatous polyposis 1 (FAP1). Also called: FAMILIAL ADENOMATOUS POLYPOSIS 1, ATTENUATED; POLYPOSIS, ADENOMATOUS INTESTINAL. Identifiers: MedGen C2713442, MONDO:0021056, OMIM 175100. Disease mechanism: loss of function.
Hereditary cancer-predisposing syndrome. Also called: Tumor predisposition; Hereditary Cancer Syndrome; Neoplastic Syndromes, Hereditary; Hereditary neoplastic syndrome. Identifiers: Orphanet 140162, MedGen C0027672, MeSH D009386, MONDO:0015356.

Submissions (2):

Myriad Genetics, Inc.
Classification: Likely pathogenic for Familial adenomatous polyposis 1. Last evaluated: 2023-04-28. Review status: criteria provided, single submitter. Criteria: Myriad Autosomal Dominant, Autosomal Recessive and X-Linked Classification Criteria (2023). Collection method: clinical testing. Allele origin: unknown.
Comment: This variant is considered likely pathogenic. This variant occurs within a consensus splice junction and is predicted to result in abnormal mRNA splicing of either an out-of-frame exon or an in-frame exon necessary for protein stability and/or normal function.

Ambry Genetics
Classification: Likely pathogenic for Hereditary cancer-predisposing syndrome. Last evaluated: 2019-01-24. Review status: criteria provided, single submitter. Criteria: Ambry Variant Classification Scheme 2023. Collection method: clinical testing. Allele origin: germline.
Comment: The c.933+2T>G intronic variant results from a T to G substitution two nucleotides after coding exon 8 in the APC gene. A similar alteration affecting the same nucleotide, c.933+2T>C, has been reported as segregating with a classic familial adenomatous polyposis (FAP) phenotype in one family (Aretz et al. Human Mutat. 2004 Nov;24(5):370-80) and was also identified in 1/863 French patients with FAP (Lagarde A et al. J. Med. Genet., 2010 Oct;47:721-2). This nucleotide position is highly conserved in available vertebrate species. Using the BDGP and ESEfinder splice site prediction tools, c.933+2T>G is predicted to abolish the native splice donor site; however, direct evidence is unavailable. Alterations that disrupt the canonical splice site are expected to cause aberrant splicing, resulting in an abnormal protein or a transcript that is subject to nonsense-mediated mRNA decay. As such, this alteration is classified as likely pathogenic.

NM_000038.6(APC):c.933+2T>G

Gene: APC (APC regulator of Wnt signaling pathway; plus strand). Cytogenetic location: 5q22.2.
Variant type: single nucleotide variant.
Coding change: c.933+2T>G on transcript NM_000038.6 (MANE Select); the canonical splice donor site of the intron after coding-DNA position 933, T replaced by G.
Molecular consequence: splice donor variant.
Genome position (GRCh38, 1-based): chr5:112,815,595, T>G. VCF-style: chr5-112815595-T-G. GRCh37 (hg19) VCF-style: chr5-112151292-T-G.
Other names: c.84+2T>G (NM_001407470.1, NM_001407472.1, NM_001354906.2 and 1 more transcripts); c.933+2T>G (NM_001407447.1, NM_001354895.2, NM_001407456.1 and 12 more transcripts); c.849+2T>G (NM_001407452.1, NM_001407469.1, NM_001354899.2 and 1 more transcripts); c.963+2T>G (NM_001407446.1, NM_001354897.2, NM_001354902.2); c.879+2T>G (NM_001127511.3); c.756+2T>G (NM_001407453.1, NM_001354900.2, NM_001354901.2 and 1 more transcripts); c.858+2T>G (NM_001407451.1, NM_001354898.2, NM_001354904.2).
Identifiers: ClinVar variation 823172 (VCV000823172.5), dbSNP rs1057517559, ClinGen allele CA360619057.
Genomic context (GRCh38, chr5:112,815,595, plus strand): 5'-TGAGTTCTAGTAGCACACACTCTGCACCTCGAAGGCTGACAAGTCATCTGGGAACCAAGG[T>G]AACAGAAGATTACAAACCCTGGTCACTAATGCCATGACTACTTTGCTAAGACATTCTTGG-3'